The following is an entry in ClinVar:

ClinVar aggregate classification (germline): Uncertain significance. Review status: criteria provided, multiple submitters, no conflicts (2 of 4 stars). 2 submissions from 2 submitters: Uncertain significance (2). Last evaluated 2025-08-08.

Submissions (2):

Ambry Genetics
Classification: Uncertain significance. Last evaluated: 2025-08-08. Review status: criteria provided, single submitter. Criteria: Ambry Variant Classification Scheme 2023. Collection method: clinical testing. Allele origin: germline.

Labcorp Genetics (formerly Invitae), Labcorp
Classification: Uncertain significance. Last evaluated: 2024-08-29. Review status: criteria provided, single submitter. Criteria: Invitae Variant Classification Sherloc (09022015). Collection method: clinical testing. Allele origin: germline.
Comment: This sequence change replaces arginine, which is basic and polar, with cysteine, which is neutral and slightly polar, at codon 47 of the RNF31 protein (p.Arg47Cys). This variant is not present in population databases (gnomAD no frequency). This variant has not been reported in the literature in individuals affected with RNF31-related conditions. An algorithm developed to predict the effect of missense changes on protein structure and function (PolyPhen-2) suggests that this variant is likely to be disruptive. In summary, the available evidence is currently insufficient to determine the role of this variant in disease. Therefore, it has been classified as a Variant of Uncertain Significance.

NM_017999.5(RNF31):c.139C>T (p.Arg47Cys)

Gene: RNF31 (ring finger protein 31; plus strand). Cytogenetic location: 14q12.
Variant type: single nucleotide variant.
Coding change: c.139C>T on transcript NM_017999.5 (MANE Select); coding-DNA position 139, C replaced by T.
Protein change: p.Arg47Cys; replaces arginine 47 with cysteine.
Molecular consequence: missense variant. On other transcripts: intron variant (1).
Genome position (GRCh38, 1-based): chr14:24,147,837, C>T. VCF-style: chr14-24147837-C-T. GRCh37 (hg19) VCF-style: chr14-24617046-C-T.
Other names: c.-325-139C>T (NM_001310332.2); c.139C>T (NM_017999.4); short protein forms R47C.
Identifiers: ClinVar variation 3706549 (VCV003706549.3).